The following is an entry in ClinVar:

NM_001177316.2(SLC34A3):c.925+48T>C

Gene: SLC34A3 (solute carrier family 34 member 3; plus strand). Cytogenetic location: 9q34.3.
Variant type: single nucleotide variant.
Coding change: c.925+48T>C on transcript NM_001177316.2 (MANE Select); 48 bases into the intron after coding-DNA position 925, T replaced by C.
Molecular consequence: intron variant.
Genome position (GRCh38, 1-based): chr9:137,233,989, T>C. VCF-style: chr9-137233989-T-C. GRCh37 (hg19) VCF-style: chr9-140128441-T-C.
Other names: c.925+48T>C (NM_001177317.2, NM_080877.3, NM_080877.2).
Identifiers: ClinVar variation 2071764 (VCV002071764.6), dbSNP rs1448707542, ClinGen allele CA591373936.

ClinVar aggregate classification (germline): Likely benign. Review status: criteria provided, single submitter (1 of 4 stars). 2 submissions from 2 submitters: Likely benign (1). 1 of the submissions does not count toward it. Last evaluated 2022-07-05.

Conditions:
SLC34A3-related disorder. Also called: SLC34A3-related condition.

Submissions (2):

Labcorp Genetics (formerly Invitae), Labcorp
Classification: Likely benign. Last evaluated: 2022-07-05. Review status: criteria provided, single submitter. Criteria: Invitae Variant Classification Sherloc (09022015). Collection method: clinical testing. Allele origin: germline.

PreventionGenetics, part of Exact Sciences
Classification: Likely benign for SLC34A3-related condition. Last evaluated: 2021-04-22. Review status: no assertion criteria provided. Collection method: clinical testing. Allele origin: germline. Not counted in ClinVar's aggregate classification.
Comment: This variant is classified as likely benign based on ACMG/AMP sequence variant interpretation guidelines (Richards et al. 2015 PMID: 25741868, with internal and published modifications).